The following is an entry in ClinVar:

NM_004655.4(AXIN2):c.1825C>T (p.Pro609Ser)

Gene: AXIN2 (axin 2; minus strand). Cytogenetic location: 17q24.1.
Variant type: single nucleotide variant.
Coding change: c.1825C>T on transcript NM_004655.4 (MANE Select); coding-DNA position 1825, C replaced by T.
Protein change: p.Pro609Ser; replaces proline 609 with serine.
Molecular consequence: missense variant. On other transcripts: intron variant (1).
Genome position (GRCh38, 1-based): chr17:65,536,951, G>A on the plus strand (C>T on the coding strand, the complement: AXIN2 is on the minus strand). VCF-style: chr17-65536951-G-A. GRCh37 (hg19) VCF-style: chr17-63533069-G-A.
Other names: c.1825C>T (LRG_296t1); c.1712+373C>T (NM_001363813.1); short protein forms P609S.
Identifiers: ClinVar variation 639845 (VCV000639845.13), dbSNP rs1389567952, ClinGen allele CA400676550.

ClinVar aggregate classification (germline): Uncertain significance. Review status: criteria provided, multiple submitters, no conflicts (2 of 4 stars). 3 submissions from 3 submitters: Uncertain significance (3). Last evaluated 2025-03-18.

Conditions:
Colorectal cancer. Also called: Colorectal cancer, somatic; Malignant Colorectal Neoplasm. Identifiers: MedGen C0346629, MONDO:0005575, OMIM 114500.
Hereditary cancer-predisposing syndrome. Also called: Neoplastic Syndromes, Hereditary; Tumor predisposition; Hereditary Cancer Syndrome; Hereditary neoplastic syndrome. Identifiers: Orphanet 140162, MedGen C0027672, MeSH D009386, MONDO:0015356.
Oligodontia-cancer predisposition syndrome. Also called: TOOTH AGENESIS-COLORECTAL CANCER SYNDROME. Identifiers: Orphanet 300576, MedGen C1837750, MONDO:0012075, OMIM 608615. Disease mechanism: loss of function.

Allele frequency attached by ClinVar (database versions not stated): gnomAD exomes below 0.00001.
gnomAD v4.1: 1 of 1,613,526 alleles (0.000062%); highest among the groups gnomAD compares: East Asian, 0.0022%; no homozygotes.

Submissions (3):

Ambry Genetics
Classification: Uncertain significance for Hereditary cancer-predisposing syndrome. Last evaluated: 2025-03-18. Review status: criteria provided, single submitter. Criteria: Ambry Variant Classification Scheme 2023. Collection method: clinical testing. Allele origin: germline.
Comment: The p.P609S variant (also known as c.1825C>T), located in coding exon 6 of the AXIN2 gene, results from a C to T substitution at nucleotide position 1825. The proline at codon 609 is replaced by serine, an amino acid with similar properties. This amino acid position is conserved. In addition, the in silico prediction for this alteration is inconclusive. Since supporting evidence is limited at this time, the clinical significance of this alteration remains unclear.

Labcorp Genetics (formerly Invitae), Labcorp
Classification: Uncertain significance for Oligodontia-cancer predisposition syndrome. Last evaluated: 2025-01-22. Review status: criteria provided, single submitter. Criteria: Invitae Variant Classification Sherloc (09022015). Collection method: clinical testing. Allele origin: germline.
Comment: This sequence change replaces proline, which is neutral and non-polar, with serine, which is neutral and polar, at codon 609 of the AXIN2 protein (p.Pro609Ser). This variant is present in population databases (no rsID available, gnomAD 0.006%). This variant has not been reported in the literature in individuals affected with AXIN2-related conditions. ClinVar contains an entry for this variant (Variation ID: 639845). An algorithm developed to predict the effect of missense changes on protein structure and function (PolyPhen-2) suggests that this variant is likely to be disruptive. In summary, the available evidence is currently insufficient to determine the role of this variant in disease. Therefore, it has been classified as a Variant of Uncertain Significance.

Baylor Genetics
Classification: Uncertain significance for Colorectal cancer. Last evaluated: 2023-06-16. Review status: criteria provided, single submitter. Criteria: ACMG Guidelines, 2015. Collection method: clinical testing. Allele origin: unknown.